The following is an entry in ClinVar:

NM_024675.4(PALB2):c.235del (p.Tyr79fs)

Gene: PALB2 (partner and localizer of BRCA2; minus strand). Cytogenetic location: 16p12.2.
Variant type: Deletion.
Coding change: c.235del on transcript NM_024675.4 (MANE Select); coding-DNA position 235, one base deleted (T; older notation c.235delT).
Protein change: p.Tyr79fs; shifts the reading frame from tyrosine 79.
Molecular consequence: frameshift variant.
Genome position (GRCh38, 1-based): chr16:23,636,311, A deleted on the plus strand (T on the coding strand, the reverse complement: PALB2 is on the minus strand); the first of 3 consecutive A bases (chr16:23,636,311-23,636,313); deleting any one gives the same sequence. VCF-style (leftmost placement, unchanged base first): chr16-23636310-TA-T. GRCh37 (hg19) VCF-style: chr16-23647631-TA-T.
Other names: c.233delT, p.Tyr79Metfs (NM_001407300.1, NM_001407301.1, NM_001407302.1 and 3 more transcripts); c.-653delT (NM_001407308.1, NM_001407309.1, NM_001407310.1 and 5 more transcripts); c.173delT, p.Tyr59Metfs (NM_001407296.1); c.235delT (NM_024675.3); short protein forms Y79fs.
Identifiers: ClinVar variation 1790132 (VCV001790132.2), dbSNP rs2506519342, ClinGen allele CA2580091375.

ClinVar aggregate classification (germline): Pathogenic (1 of 4 stars; one submission).

Conditions:
Hereditary cancer-predisposing syndrome. Also called: Hereditary Cancer Syndrome; Hereditary neoplastic syndrome; Tumor predisposition; Neoplastic Syndromes, Hereditary. Identifiers: Orphanet 140162, MedGen C0027672, MeSH D009386, MONDO:0015356.

Submission:

Ambry Genetics
Classification: Pathogenic for Hereditary cancer-predisposing syndrome. Last evaluated: 2022-09-08. Review status: criteria provided, single submitter. Criteria: Ambry Variant Classification Scheme 2023. Collection method: clinical testing. Allele origin: germline.
Comment: The c.235delT pathogenic mutation, located in coding exon 4 of the PALB2 gene, results from a deletion of one nucleotide at nucleotide position 235, causing a translational frameshift with a predicted alternate stop codon (p.Y79Mfs*98). This variant is considered to be rare based on population cohorts in the Genome Aggregation Database (gnomAD). This alteration is expected to result in loss of function by premature protein truncation or nonsense-mediated mRNA decay. As such, this alteration is interpreted as a disease-causing mutation.